The following is an entry in ClinVar:

NM_004549.6(NDUFC2):c.*87T>C

Genes: NDUFC2 (NADH:ubiquinone oxidoreductase subunit C2; minus strand), NDUFC2-KCTD14 (NDUFC2-KCTD14 readthrough; minus strand). Cytogenetic location: 11q14.1.
Variant type: single nucleotide variant.
Coding change: c.*87T>C on transcript NM_004549.6 (MANE Select); 87 bases downstream of the stop codon, T replaced by C.
Molecular consequence: 3 prime UTR variant. On other transcripts: synonymous variant (1), intron variant (3).
Genome position (GRCh38, 1-based): chr11:78,069,900, A>G on the plus strand (T>C on the coding strand, the complement: NDUFC2 is on the minus strand). VCF-style: chr11-78069900-A-G. GRCh37 (hg19) VCF-style: chr11-77780946-A-G.
Other names: c.240T>C, p.Tyr80= (NM_001204054.3); c.*87T>C (NM_001204055.2); c.166+9679T>C (NM_001203262.2); c.310+3098T>C (NM_001203261.2, NM_001203260.2).
Identifiers: ClinVar variation 3026373 (VCV003026373.22), dbSNP rs1858919482, ClinGen allele CA939863481.

ClinVar aggregate classification (germline): Likely benign (1 of 4 stars; one submission).

Allele frequency attached by ClinVar (database versions not stated): gnomAD exomes below 0.00001.
gnomAD v4.1: 6 of 1,613,104 alleles (0.00037%); highest among the groups gnomAD compares: Non-Finnish European, 0.00025%; no homozygotes.

Submission:

CeGaT Center for Human Genetics Tuebingen
Classification: Likely benign. Last evaluated: 2024-01-01. Review status: criteria provided, single submitter. Criteria: CeGaT Center For Human Genetics Tuebingen Variant Classification Criteria Version 2. Collection method: clinical testing. Allele origin: germline. Affected: yes. Observed: 1 variant allele.
Comment: NDUFC2: PM2:Supporting, BP4, BP7